The following is an entry in ClinVar:

ClinVar aggregate classification (germline): Benign. Review status: criteria provided, multiple submitters, no conflicts (2 of 4 stars). 13 submissions from 13 submitters: Benign (10). 3 of the submissions do not count toward it. Last evaluated 2026-02-04.

Conditions:
Aspartylglucosaminuria (AGU). Also called: GLYCOASPARAGINASE; GLYCOSYLASPARAGINASE DEFICIENCY; Aspartylglucos-aminuria; Aspartylglucos-amidase (AGA) deficiency; AGA DEFICIENCY. Identifiers: Orphanet 93, MedGen C0268225, MONDO:0008830, OMIM 208400, HP:0012068.

Allele frequency attached by ClinVar (database versions not stated): TOPMed 0.92444; ESP Exome Variant Server 0.92527; gnomAD exomes 0.99312 and 0.98235; 1000 Genomes Project 30x 0.91661; 1000 Genomes Project 0.92093; gnomAD 0.92759 and 0.93245; ExAC 0.97822.
gnomAD v4.1: 1,591,174 of 1,611,942 alleles (99%); highest among the groups gnomAD compares: East Asian, 100%; 787,480 homozygotes.

Submissions (13):

Labcorp Genetics (formerly Invitae), Labcorp
Classification: Benign for Aspartylglucosaminuria. Last evaluated: 2026-02-04. Review status: criteria provided, single submitter. Criteria: Invitae Variant Classification Sherloc (09022015). Collection method: clinical testing. Allele origin: germline.

Blueprint Genetics
Classification: Benign. Last evaluated: 2024-11-26. Review status: criteria provided, single submitter. Criteria: ACMG Guidelines, 2015. Collection method: clinical testing. Allele origin: germline.

Genome-Nilou Lab
Classification: Benign for Aspartylglucosaminuria. Last evaluated: 2021-07-10. Review status: criteria provided, single submitter. Criteria: ACMG Guidelines, 2015. Collection method: clinical testing. Allele origin: germline. Affected: no.

Mendelics
Classification: Benign for Aspartylglucosaminuria. Last evaluated: 2019-05-28. Review status: criteria provided, single submitter. Criteria: Mendelics Assertion Criteria 2017. Collection method: clinical testing. Allele origin: unknown.

GeneDx
Classification: Benign. Last evaluated: 2018-06-13. Review status: criteria provided, single submitter. Criteria: GeneDx Variant Classification (06012015). Collection method: clinical testing. Allele origin: germline. Affected: yes.
Comment: This variant is considered likely benign or benign based on one or more of the following criteria: it is a conservative change, it occurs at a poorly conserved position in the protein, it is predicted to be benign by multiple in silico algorithms, and/or has population frequency not consistent with disease.

Clinical Genetics DNA and cytogenetics Diagnostics Lab, Erasmus MC, Erasmus Medical Center
Classification: Benign for Aspartylglucosaminuria. Last evaluated: 2017-05-31. Review status: criteria provided, single submitter. Criteria: ACGS Guidelines, 2013. Collection method: clinical testing. Allele origin: germline. Affected: yes. Study: VKGL Data-share Consensus.

Laboratory for Molecular Medicine, Mass General Brigham Personalized Medicine
Classification: Benign. Last evaluated: 2016-03-28. Review status: criteria provided, single submitter. Criteria: LMM Criteria. Collection method: clinical testing. Allele origin: germline.
Comment: Variant identified in a genome or exome case(s) and assessed due to predicted null impact of the variant or pathogenic assertions in the literature or databases. Disclaimer: This variant has not undergone full assessment. The following are preliminary notes: Frequency

Eurofins Ntd Llc (ga)
Classification: Benign. Last evaluated: 2012-12-07. Review status: criteria provided, single submitter. Criteria: EGL Classification Definitions 2015. Collection method: clinical testing. Allele origin: germline. Observed: 2 variant alleles, 2 homozygotes.

Breakthrough Genomics
Classification: Benign. Review status: criteria provided, single submitter. Criteria: ACMG Guidelines, 2015. Collection method: not provided. Allele origin: germline. Inheritance: Autosomal recessive inheritance. Affected: yes.

PreventionGenetics, part of Exact Sciences
Classification: Benign. Review status: criteria provided, single submitter. Criteria: ACMG Guidelines, 2015. Collection method: clinical testing. Allele origin: germline.

Natera, Inc.
Classification: Benign for Aspartylglucosaminuria. Last evaluated: 2020-09-16. Review status: no assertion criteria provided. Collection method: clinical testing. Allele origin: germline. Not counted in ClinVar's aggregate classification.

Mayo Clinic Laboratories, Mayo Clinic
Classification: Benign. Last evaluated: 2015-10-22. Review status: no assertion criteria provided. Collection method: clinical testing. Allele origin: unknown. Not counted in ClinVar's aggregate classification.

Diagnostic Laboratory, Department of Genetics, University Medical Center Groningen
Classification: Benign for Aspartylglucosaminuria. Review status: no assertion criteria provided. Collection method: clinical testing. Allele origin: germline. Affected: yes. Study: VKGL Data-share Consensus. Not counted in ClinVar's aggregate classification.

NM_000027.4(AGA):c.446C>G (p.Thr149Ser)

Gene: AGA (aspartylglucosaminidase; minus strand). Cytogenetic location: 4q34.3.
Variant type: single nucleotide variant.
Coding change: c.446C>G on transcript NM_000027.4 (MANE Select); coding-DNA position 446, C replaced by G.
Protein change: p.Thr149Ser; replaces threonine 149 with serine.
Molecular consequence: missense variant. On other transcripts: non-coding transcript variant (1).
Genome position (GRCh38, 1-based): chr4:177,438,806, G>C on the plus strand (C>G on the coding strand, the complement: AGA is on the minus strand). VCF-style: chr4-177438806-G-C. GRCh37 (hg19) VCF-style: chr4-178359960-G-C.
Other names: c.446C>G, p.Thr149Ser (NM_001171988.2); short protein forms T149S.
Identifiers: ClinVar variation 92308 (VCV000092308.32), dbSNP rs2228119, ClinGen allele CA145609.
Genomic context (GRCh38, chr4:177,438,806, plus strand): 5'-CTCCAATAATTTGGCTGGCAATTCCGAGCAAGCCAATCTGAATGAAGAGCTTGAGAAGCA[G>C]TGGTAGATAAGTCTTCATTGATAAACCCCATACTTTGAGCAAATGTGGTGGCTGGAGATT-3'
Protein context (NP_000018.2, residues 139-159): MGFINEDLST[Thr149Ser]ASQALHSDWL